The following is an entry in ClinVar:

NM_001374736.1(DST):c.4816C>T (p.Leu1606Phe)

Gene: DST (dystonin; minus strand). Cytogenetic location: 6p12.1.
Variant type: single nucleotide variant.
Coding change: c.4816C>T on transcript NM_001374736.1 (MANE Select); coding-DNA position 4816, C replaced by T.
Protein change: p.Leu1606Phe; replaces leucine 1606 with phenylalanine.
Molecular consequence: missense variant.
Genome position (GRCh38, 1-based): chr6:56,625,171, G>A on the plus strand (C>T on the coding strand, the complement: DST is on the minus strand). VCF-style: chr6-56625171-G-A. GRCh37 (hg19) VCF-style: chr6-56489969-G-A.
Other names: c.4717C>T, p.Leu1573Phe (NM_001144769.5); c.4303C>T, p.Leu1435Phe (NM_001144770.2); c.4816C>T, p.Leu1606Phe (NM_001374722.1); c.4183C>T, p.Leu1395Phe (NM_001374729.1, NM_001374730.1, NM_001386100.1 and 1 more transcripts); c.4843C>T, p.Leu1615Phe (NM_001374734.1); c.3205C>T, p.Leu1069Phe (NM_001723.7, NM_015548.5); short protein forms L1606F, L1069F, L1395F, L1435F, L1573F, L1615F.
Identifiers: ClinVar variation 1742618 (VCV001742618.2), dbSNP rs1388548098, ClinGen allele CA364572700.
Genomic context (GRCh38, chr6:56,625,171, plus strand): 5'-TCTTTCTTTTATGCCCCTTCCCCTCTTTCTCTCATACTTTTATTACCTCTTGAATAATGA[G>A]ATCTGCTGAACTCTGCATTCTTCGGCGTTTCACTGGAGATTTTTGTTGTGAATCTACCAT-3'
Protein context (NP_001361665.1, residues 1596-1616): KRRRMQSSAD[Leu1606Phe]IIQEFMDLRT

ClinVar aggregate classification (germline): Uncertain significance (1 of 4 stars; one submission).

Conditions:
Inborn genetic diseases. Identifiers: MedGen C0950123, MeSH D030342.

Submission:

Ambry Genetics
Classification: Uncertain significance for Inborn genetic diseases. Last evaluated: 2020-12-18. Review status: criteria provided, single submitter. Criteria: Ambry Variant Classification Scheme 2023. Collection method: clinical testing. Allele origin: germline.
Comment: The p.L1573F variant (also known as c.4717C>T), located in coding exon 34 of the DST gene, results from a C to T substitution at nucleotide position 4717. The leucine at codon 1573 is replaced by phenylalanine, an amino acid with highly similar properties. This amino acid position is not well conserved in available vertebrate species, and phenylalanine is the reference amino acid in other vertebrate species. In addition, this alteration is predicted to be tolerated by in silico analysis. Since supporting evidence is limited at this time, the clinical significance of this alteration remains unclear.